The following is an entry in ClinVar:

ClinVar aggregate classification (germline): Uncertain significance. Review status: criteria provided, multiple submitters, no conflicts (2 of 4 stars). 12 submissions from 8 submitters: Uncertain significance (12). Last evaluated 2026-09-02.

Conditions:
Hereditary cryohydrocytosis with reduced stomatin. Also called: GLUT1 DEFICIENCY SYNDROME WITH PSEUDOHYPERKALEMIA AND HEMOLYSIS; Stomatin-deficient cryohydrocytosis with neurologic defects. Identifiers: Orphanet 168577, MedGen C1837206, MONDO:0012143, OMIM 608885.
SLC2A1-related disorder. Also called: SLC2A1-related condition; SLC2A1-related disorders.
Dystonia 9 (DYT9). Also called: CHOREOATHETOSIS, KINESIGENIC, WITH EPISODIC ATAXIA AND SPASTICITY. Identifiers: Orphanet 53583, MedGen C1832855, MONDO:0010983, OMIM 601042.
Epilepsy, idiopathic generalized, susceptibility to, 12 (EIG12). Identifiers: MedGen C3553859, MONDO:0013919, OMIM 614847.
Encephalopathy due to GLUT1 deficiency. Also called: GLUT1 deficiency syndrome 1, infantile onset, severe; Classic Glucose Transporter Type 1 Deficiency Syndrome; GLUCOSE TRANSPORT DEFECT, BLOOD-BRAIN BARRIER; Glucose transporter protein syndrome; GLUT1 deficiency syndrome 1; De Vivo disease. Identifiers: Orphanet 71277, MedGen C4551966, MONDO:0011724, OMIM 606777.
Childhood onset GLUT1 deficiency syndrome 2. Also called: GLUT1 deficiency syndrome 2; Exertion-induced paroxysmal dyskinesia; Paroxysmal exercise-induced dystonia; PxMD-SLC2A1; PAROXYSMAL EXERCISE-INDUCED DYSKINESIA WITH OR WITHOUT EPILEPSY AND/OR HEMOLYTIC ANEMIA; PAROXYSMAL EXERTION-INDUCED DYSTONIA WITH OR WITHOUT EPILEPSY AND/OR HEMOLYTIC ANEMIA. Identifiers: Orphanet 98811, MedGen C1842534, MONDO:0012805, OMIM 612126.
GLUT1 deficiency syndrome 1, autosomal recessive. Identifiers: MedGen C3149117.

Allele frequency attached by ClinVar (database versions not stated): TOPMed 0.00002; gnomAD 0.00003 and 0.00004; ExAC 0.00004; gnomAD exomes 0.00004; ESP Exome Variant Server 0.00008.
gnomAD v4.1: 60 of 1,614,038 alleles (0.0037%); highest among the groups gnomAD compares: Non-Finnish European, 0.0046%; no homozygotes.

Submissions (12):

PreventionGenetics, part of Exact Sciences
Classification: Uncertain significance for SLC2A1-related condition. Last evaluated: 2026-09-02. Review status: criteria provided, single submitter. Criteria: ACMG Guidelines, 2015. Collection method: clinical testing. Allele origin: germline.
Comment: The SLC2A1 c.1396G>A variant is predicted to result in the amino acid substitution p.Gly466Ser. To our knowledge, this variant has not been reported in the literature. This variant is reported in 0.010% of alleles in individuals of European (Non-Finnish) descent in gnomAD. At this time, the clinical significance of this variant is uncertain due to the absence of conclusive functional and genetic evidence.

Labcorp Genetics (formerly Invitae), Labcorp
Classification: Uncertain significance for GLUT1 deficiency syndrome 1, autosomal recessive. Last evaluated: 2025-12-21. Review status: criteria provided, single submitter. Criteria: Invitae Variant Classification Sherloc (09022015). Collection method: clinical testing. Allele origin: germline.
Comment: This sequence change replaces glycine, which is neutral and non-polar, with serine, which is neutral and polar, at codon 466 of the SLC2A1 protein (p.Gly466Ser). This variant is present in population databases (rs138139624, gnomAD 0.007%). This variant has not been reported in the literature in individuals affected with SLC2A1-related conditions. ClinVar contains an entry for this variant (Variation ID: 207214). Invitae Evidence Modeling incorporating data from in vitro experimental studies (internal data) indicates that this missense variant is not expected to disrupt SLC2A1 function with a negative predictive value of 95%. In summary, the available evidence is currently insufficient to determine the role of this variant in disease. Therefore, it has been classified as a Variant of Uncertain Significance.

Revvity Omics, Revvity
Classification: Uncertain significance. Last evaluated: 2025-04-21. Review status: criteria provided, single submitter. Criteria: ACMG Guidelines, 2015. Collection method: clinical testing. Allele origin: germline.

CeGaT Center for Human Genetics Tuebingen
Classification: Uncertain significance. Last evaluated: 2023-11-01. Review status: criteria provided, single submitter. Criteria: CeGaT Center For Human Genetics Tuebingen Variant Classification Criteria Version 2. Collection method: clinical testing. Allele origin: germline. Affected: yes. Observed: 2 variant alleles.
Comment: SLC2A1: PM2

Genome-Nilou Lab
Classification: Uncertain significance for Epilepsy, idiopathic generalized, susceptibility to, 12. Last evaluated: 2023-04-11. Review status: criteria provided, single submitter. Criteria: ACMG Guidelines, 2015. Collection method: clinical testing. Allele origin: germline. Affected: no.

Genome-Nilou Lab
Classification: Uncertain significance for Dystonia 9. Last evaluated: 2023-04-11. Review status: criteria provided, single submitter. Criteria: ACMG Guidelines, 2015. Collection method: clinical testing. Allele origin: germline. Affected: no.

Genome-Nilou Lab
Classification: Uncertain significance for Encephalopathy due to GLUT1 deficiency. Last evaluated: 2023-04-11. Review status: criteria provided, single submitter. Criteria: ACMG Guidelines, 2015. Collection method: clinical testing. Allele origin: germline. Affected: no.

Genome-Nilou Lab
Classification: Uncertain significance for Childhood onset GLUT1 deficiency syndrome 2. Last evaluated: 2023-04-11. Review status: criteria provided, single submitter. Criteria: ACMG Guidelines, 2015. Collection method: clinical testing. Allele origin: germline. Affected: no.

Genome-Nilou Lab
Classification: Uncertain significance for Hereditary cryohydrocytosis with reduced stomatin. Last evaluated: 2023-04-11. Review status: criteria provided, single submitter. Criteria: ACMG Guidelines, 2015. Collection method: clinical testing. Allele origin: germline. Affected: no.

Athena Diagnostics
Classification: Uncertain significance. Last evaluated: 2019-01-28. Review status: criteria provided, single submitter. Criteria: Athena Diagnostics Criteria. Collection method: clinical testing. Allele origin: germline.

GeneDx
Classification: Uncertain significance. Last evaluated: 2016-08-17. Review status: criteria provided, single submitter. Criteria: GeneDx Variant Classification (06012015). Collection method: clinical testing. Allele origin: germline. Affected: yes.
Comment: p.Gly466Ser (GGC>AGC): c.1396 G>A in exon 10 of the SLC2A1 gene (NM_006516.2)A variant of unknown significance has been identified in the SLC2A1 gene. The G466S variant has not been published as a mutation, nor has it been reported as a benign polymorphism to our knowledge. The G466S variant was not observed with any significant frequency in approximately 6,500 individuals of European and African American ancestry in the NHLBI Exome Sequencing Project. The G466S variant is a non-conservative amino acid substitution, which is likely to impact secondary protein structure as these residues differ in polarity, charge, size and/or other properties. This substitution alters a conserved position in the C-terminal cytoplasmic region of the SLC2A1 protein (Wang et al., 2000); however, Serine is observed at this position in one species in distant evolution. Missense mutations in nearby residues (R458W, R468W) have been reported in association with SLC2A1-related disorders, supporting the functional importance of this region of the protein. In silico analysis is inconsistent in its predictions as to whether or not the variant is damaging to the protein structure/function. Therefore, based on the currently available information, it is unclear whether this variant is a pathogenic mutation or a rare benign variant. The variant is found in EPILEPSY panel(s).

Genetic Services Laboratory, University of Chicago
Classification: Uncertain significance. Last evaluated: 2015-11-09. Review status: criteria provided, single submitter. Criteria: ACMG Guidelines, 2015. Collection method: clinical testing. Allele origin: germline. Affected: no.

NM_006516.4(SLC2A1):c.1396G>A (p.Gly466Ser)

Gene: SLC2A1 (solute carrier family 2 member 1; minus strand). Cytogenetic location: 1p34.2.
Variant type: single nucleotide variant.
Coding change: c.1396G>A on transcript NM_006516.4 (MANE Select); coding-DNA position 1396, G replaced by A.
Protein change: p.Gly466Ser; replaces glycine 466 with serine.
Molecular consequence: missense variant.
Genome position (GRCh38, 1-based): chr1:42,927,124, C>T on the plus strand (G>A on the coding strand, the complement: SLC2A1 is on the minus strand). VCF-style: chr1-42927124-C-T. GRCh37 (hg19) VCF-style: chr1-43392795-C-T.
Other names: p.G466S:GGC>AGC; c.1396G>A (NM_006516.3); short protein forms G466S.
Identifiers: ClinVar variation 207214 (VCV000207214.53), dbSNP rs138139624, ClinGen allele CA318473.